The following is an entry in ClinVar:

NM_000237.3(LPL):c.37G>T (p.Val13Leu)

Gene: LPL (lipoprotein lipase; plus strand). Cytogenetic location: 8p21.3.
Variant type: single nucleotide variant.
Coding change: c.37G>T on transcript NM_000237.3 (MANE Select); coding-DNA position 37, G replaced by T.
Protein change: p.Val13Leu; replaces valine 13 with leucine.
Molecular consequence: missense variant.
Genome position (GRCh38, 1-based): chr8:19,939,477, G>T. VCF-style: chr8-19939477-G-T. GRCh37 (hg19) VCF-style: chr8-19796988-G-T.
Other names: short protein forms V13L.
Identifiers: ClinVar variation 1735058 (VCV001735058.5), dbSNP rs751494597, ClinGen allele CA4655264.

ClinVar aggregate classification (germline): Conflicting classifications of pathogenicity. Review status: criteria provided, conflicting classifications (1 of 4 stars). 3 submissions from 3 submitters: Uncertain significance (2); Likely benign (1). Last evaluated 2022-10-21.

Conditions:
Cardiovascular phenotype. Identifiers: MedGen CN230736.

Allele frequency attached by ClinVar (database versions not stated): TOPMed 0.00001; ExAC 0.00002; gnomAD 0.00002.
gnomAD v4.1: 44 of 1,610,790 alleles (0.0027%); highest among the groups gnomAD compares: Non-Finnish European, 0.0034%; no homozygotes.

Submissions (3):

Blueprint Genetics
Classification: Likely benign. Last evaluated: 2022-10-21. Review status: criteria provided, single submitter. Criteria: ACMG Guidelines, 2015. Collection method: clinical testing. Allele origin: germline.

Ambry Genetics
Classification: Uncertain significance for Cardiovascular phenotype. Last evaluated: 2022-07-06. Review status: criteria provided, single submitter. Criteria: Ambry Variant Classification Scheme 2023. Collection method: clinical testing. Allele origin: germline.
Comment: The p.V13L variant (also known as c.37G>T), located in coding exon 1 of the LPL gene, results from a G to T substitution at nucleotide position 37. The valine at codon 13 is replaced by leucine, an amino acid with highly similar properties. This amino acid position is conserved. In addition, this alteration is predicted to be tolerated by in silico analysis. Since supporting evidence is limited at this time, the clinical significance of this alteration remains unclear.

Labcorp Genetics (formerly Invitae), Labcorp
Classification: Uncertain significance. Last evaluated: 2022-02-22. Review status: criteria provided, single submitter. Criteria: Invitae Variant Classification Sherloc (09022015). Collection method: clinical testing. Allele origin: germline.
Comment: This sequence change replaces valine, which is neutral and non-polar, with leucine, which is neutral and non-polar, at codon 13 of the LPL protein (p.Val13Leu). This variant is present in population databases (rs751494597, gnomAD 0.007%). This variant has not been reported in the literature in individuals affected with LPL-related conditions. Algorithms developed to predict the effect of missense changes on protein structure and function output the following: SIFT: "Tolerated"; PolyPhen-2: "Benign"; Align-GVGD: "Class C0". The leucine amino acid residue is found in multiple mammalian species, which suggests that this missense change does not adversely affect protein function. In summary, the available evidence is currently insufficient to determine the role of this variant in disease. Therefore, it has been classified as a Variant of Uncertain Significance.